The following is an entry in ClinVar:

ClinVar aggregate classification (germline): Uncertain significance (1 of 4 stars; one submission).

Allele frequency attached by ClinVar (database versions not stated): gnomAD exomes 0.00001; TOPMed 0.00001; gnomAD 0.00003.
gnomAD v4.1: 12 of 1,612,876 alleles (0.00074%); highest among the groups gnomAD compares: Non-Finnish European, 0.001%; no homozygotes.

Submission:

Labcorp Genetics (formerly Invitae), Labcorp
Classification: Uncertain significance. Last evaluated: 2022-04-09. Review status: criteria provided, single submitter. Criteria: Invitae Variant Classification Sherloc (09022015). Collection method: clinical testing. Allele origin: germline.
Comment: This sequence change affects codon 159 of the C9 mRNA. It is a 'silent' change, meaning that it does not change the encoded amino acid sequence of the C9 protein. It affects a nucleotide within the consensus splice site. This variant is present in population databases (no rsID available, gnomAD 0.002%). This variant has not been reported in the literature in individuals affected with C9-related conditions. Algorithms developed to predict the effect of sequence changes on RNA splicing suggest that this variant is not likely to affect RNA splicing. In summary, the available evidence is currently insufficient to determine the role of this variant in disease. Therefore, it has been classified as a Variant of Uncertain Significance.

NM_001737.5(C9):c.477G>A (p.Gly159=)

Gene: C9 (complement C9; minus strand). Cytogenetic location: 5p13.1.
Variant type: single nucleotide variant.
Coding change: c.477G>A on transcript NM_001737.5 (MANE Select); coding-DNA position 477, G replaced by A.
Protein change: p.Gly159=; no amino-acid change (glycine 159 retained).
Molecular consequence: synonymous variant.
Genome position (GRCh38, 1-based): chr5:39,331,814, C>T on the plus strand (G>A on the coding strand, the complement: C9 is on the minus strand). VCF-style: chr5-39331814-C-T. GRCh37 (hg19) VCF-style: chr5-39331916-C-T.
Identifiers: ClinVar variation 1910081 (VCV001910081.2), dbSNP rs1372359669, ClinGen allele CA443954783.
Genomic context (GRCh38, chr5:39,331,814, plus strand): 5'-TCCATTGTAGAACTCATTGTCAAAAGGTGTGCTTAGGGGATCCATCCCTAAAATGTTGAT[C>T]CTGAGAATGAACAGAGTAGTATCAGAAGTGGAAATACCACAACACAATGCAAGGCAGCCC-3'
Protein context (NP_001728.1, residues 149-169): ESELARTAGY[Gly159=]INILGMDPLS